The following is an entry in ClinVar:

NM_021930.6(RINT1):c.1134G>T (p.Met378Ile)

Gene: RINT1 (RAD50 interactor 1; plus strand). Cytogenetic location: 7q22.3.
Variant type: single nucleotide variant.
Coding change: c.1134G>T on transcript NM_021930.6 (MANE Select); coding-DNA position 1134, G replaced by T.
Protein change: p.Met378Ile; replaces methionine 378 with isoleucine.
Molecular consequence: missense variant. On other transcripts: non-coding transcript variant (1).
Genome position (GRCh38, 1-based): chr7:105,550,287, G>T. VCF-style: chr7-105550287-G-T. GRCh37 (hg19) VCF-style: chr7-105190734-G-T.
Other names: c.900G>T, p.Met300Ile (NM_001346599.2); c.111G>T, p.Met37Ile (NM_001346600.2, NM_001346603.2); c.210G>T, p.Met70Ile (NM_001346601.2); short protein forms M300I, M70I, M378I, M37I.
Identifiers: ClinVar variation 4844085 (VCV004844085.1).
Genomic context (GRCh38, chr7:105,550,287, plus strand): 5'-TATTTACATACCTCATGTTTGTGTATTTTTTTAGCTTGAATTTTCTCGGGGCCTTATGAT[G>T]CTGGTTCTTGAGAAGTTAGCCACTGATATTCCTTGTCTGCTATATGATGACAATCTCTTC-3'
Protein context (NP_068749.3, residues 368-388): ARLEFSRGLM[Met378Ile]LVLEKLATDI

ClinVar aggregate classification (germline): Uncertain significance (1 of 4 stars; one submission).

gnomAD v4.1: 1 of 1,613,876 alleles (0.000062%); highest among the groups gnomAD compares: Admixed American, 0.0017%; no homozygotes.

Submission:

Ambry Genetics
Classification: Uncertain significance. Last evaluated: 2026-01-11. Review status: criteria provided, single submitter. Criteria: Ambry Variant Classification Scheme 2023. Collection method: clinical testing. Allele origin: germline.
Comment: The p.M378I variant (also known as c.1134G>T), located in coding exon 9 of the RINT1 gene, results from a G to T substitution at nucleotide position 1134. The methionine at codon 378 is replaced by isoleucine, an amino acid with highly similar properties. This amino acid position is conserved. In addition, this alteration is predicted to be tolerated by in silico analysis. Based on the available evidence, the clinical significance of this variant remains unclear.